The following is an entry in ClinVar:

ClinVar aggregate classification (germline): Uncertain significance (1 of 4 stars; one submission).

Allele frequency attached by ClinVar (database versions not stated): TOPMed 0.00001.
gnomAD v4.1: 39 of 1,614,094 alleles (0.0024%); highest among the groups gnomAD compares: Non-Finnish European, 0.0031%; no homozygotes.

Submission:

Labcorp Genetics (formerly Invitae), Labcorp
Classification: Uncertain significance. Last evaluated: 2024-02-05. Review status: criteria provided, single submitter. Criteria: Invitae Variant Classification Sherloc (09022015). Collection method: clinical testing. Allele origin: germline.
Comment: This sequence change replaces serine, which is neutral and polar, with phenylalanine, which is neutral and non-polar, at codon 232 of the ADNP protein (p.Ser232Phe). This variant is present in population databases (no rsID available, gnomAD 0.0009%). This variant has not been reported in the literature in individuals affected with ADNP-related conditions. An algorithm developed to predict the effect of missense changes on protein structure and function (PolyPhen-2) suggests that this variant is likely to be disruptive. In summary, the available evidence is currently insufficient to determine the role of this variant in disease. Therefore, it has been classified as a Variant of Uncertain Significance.

NM_001282531.3(ADNP):c.695C>T (p.Ser232Phe)

Gene: ADNP (activity dependent neuroprotector homeobox; minus strand). Cytogenetic location: 20q13.13.
Variant type: single nucleotide variant.
Coding change: c.695C>T on transcript NM_001282531.3 (MANE Select); coding-DNA position 695, C replaced by T.
Protein change: p.Ser232Phe; replaces serine 232 with phenylalanine.
Molecular consequence: missense variant.
Genome position (GRCh38, 1-based): chr20:50,894,019, G>A on the plus strand (C>T on the coding strand, the complement: ADNP is on the minus strand). VCF-style: chr20-50894019-G-A. GRCh37 (hg19) VCF-style: chr20-49510556-G-A.
Other names: c.695C>T, p.Ser232Phe (NM_001282532.2, NM_001347511.2, NM_015339.5 and 1 more transcripts); short protein forms S232F.
Identifiers: ClinVar variation 2780736 (VCV002780736.3), dbSNP rs1245095876, ClinGen allele CA408976626.